The following is an entry in ClinVar:

NM_152703.5(SAMD9L):c.311C>T (p.Pro104Leu)

Gene: SAMD9L (sterile alpha motif domain containing 9 like; minus strand). Cytogenetic location: 7q21.2.
Variant type: single nucleotide variant.
Coding change: c.311C>T on transcript NM_152703.5 (MANE Select); coding-DNA position 311, C replaced by T.
Protein change: p.Pro104Leu; replaces proline 104 with leucine.
Molecular consequence: missense variant.
Genome position (GRCh38, 1-based): chr7:93,135,661, G>A on the plus strand (C>T on the coding strand, the complement: SAMD9L is on the minus strand). VCF-style: chr7-93135661-G-A. GRCh37 (hg19) VCF-style: chr7-92764974-G-A.
Other names: c.311C>T (NM_152703.3); c.311C>T, p.Pro104Leu (NM_001303496.3, NM_001303497.3, NM_001303498.3 and 5 more transcripts); short protein forms P104L.
Identifiers: ClinVar variation 2990807 (VCV002990807.4), dbSNP rs201745651, ClinGen allele CA161963492.

ClinVar aggregate classification (germline): Uncertain significance. Review status: criteria provided, multiple submitters, no conflicts (2 of 4 stars). 2 submissions from 2 submitters: Uncertain significance (2). Last evaluated 2025-10-08.

Allele frequency attached by ClinVar (database versions not stated): gnomAD exomes 0.00001.

Submissions (2):

Labcorp Genetics (formerly Invitae), Labcorp
Classification: Uncertain significance. Last evaluated: 2025-10-08. Review status: criteria provided, single submitter. Criteria: Invitae Variant Classification Sherloc (09022015). Collection method: clinical testing. Allele origin: germline.
Comment: This sequence change replaces proline, which is neutral and non-polar, with leucine, which is neutral and non-polar, at codon 104 of the SAMD9L protein (p.Pro104Leu). This variant is not present in population databases (gnomAD no frequency). This variant has not been reported in the literature in individuals affected with SAMD9L-related conditions. ClinVar contains an entry for this variant (Variation ID: 2990807). An algorithm developed to predict the effect of missense changes on protein structure and function outputs the following: PolyPhen-2: "Benign". The leucine amino acid residue is found in multiple mammalian species, which suggests that this missense change does not adversely affect protein function. In summary, the available evidence is currently insufficient to determine the role of this variant in disease. Therefore, it has been classified as a Variant of Uncertain Significance.

GeneDx
Classification: Uncertain significance. Last evaluated: 2024-05-29. Review status: criteria provided, single submitter. Criteria: GeneDx Variant Classification Process June 2021. Collection method: clinical testing. Allele origin: germline. Affected: yes.
Comment: Not observed at significant frequency in large population cohorts (gnomAD); In silico analysis indicates that this missense variant does not alter protein structure/function; Has not been previously published as pathogenic or benign to our knowledge